The following is an entry in ClinVar:

NM_001077365.2(POMT1):c.986+9A>G

Gene: POMT1 (protein O-mannosyltransferase 1; plus strand). Cytogenetic location: 9q34.13.
Variant type: single nucleotide variant.
Coding change: c.986+9A>G on transcript NM_001077365.2 (MANE Select); 9 bases into the intron after coding-DNA position 986, A replaced by G.
Molecular consequence: intron variant.
Genome position (GRCh38, 1-based): chr9:131,511,476, A>G. VCF-style: chr9-131511476-A-G. GRCh37 (hg19) VCF-style: chr9-134386863-A-G.
Other names: p.?; c.890+9A>G (NM_001353198.2, NM_001353197.2); c.1052+9A>G (NM_001353193.2, NM_007171.4); c.986+9A>G (NM_001136113.2, NM_001374690.1); c.824+9A>G (NM_001353194.2, NM_001077366.2, NM_001374693.1); c.635+9A>G (NM_001374691.1, NM_001353195.2, NM_001374692.1 and 1 more transcripts); c.896+9A>G (NM_001353196.2); c.596+9A>G (NM_001374695.1); and 3 more.
Identifiers: ClinVar variation 211944 (VCV000211944.31), dbSNP rs202095070, ClinGen allele CA206070.

ClinVar aggregate classification (germline): Conflicting classifications of pathogenicity. Review status: criteria provided, conflicting classifications (1 of 4 stars). 11 submissions from 11 submitters: Uncertain significance (2); Benign (1); Likely benign (6). 2 of the submissions do not count toward it. Last evaluated 2026-01-31.

Conditions:
Autosomal recessive limb-girdle muscular dystrophy type 2K. Also called: MUSCULAR DYSTROPHY-DYSTROGLYCANOPATHY (LIMB-GIRDLE), TYPE C, 1; MUSCULAR DYSTROPHY, LIMB-GIRDLE, TYPE 2K. Identifiers: Orphanet 86812, MedGen C1836373, MONDO:0012248, OMIM 609308.
Muscular dystrophy-dystroglycanopathy (congenital with impaired intellectual development), type B, 1. Also called: Muscular dystrophy-dystroglycanopathy (congenital with intellectual disability), type B1; MUSCULAR DYSTROPHY, CONGENITAL, POMT1-RELATED. Identifiers: MedGen C5436962, MONDO:0013159, OMIM 613155.
Walker-Warburg congenital muscular dystrophy. Also called: Muscular dystrophy-dystroglycanopathy, type A; Walker-Warburg syndrome. Identifiers: Orphanet 899, MedGen C0265221, MONDO:0000171.

Allele frequency attached by ClinVar (database versions not stated): 1000 Genomes Project 0.00020; 1000 Genomes Project 30x 0.00031; gnomAD 0.00076 and 0.00077; ExAC 0.00082; gnomAD exomes 0.00088 and 0.00091; ESP Exome Variant Server 0.00092; TOPMed 0.00097.
gnomAD v4.1: 1,449 of 1,614,018 alleles (0.09%); highest among the groups gnomAD compares: Middle Eastern, 0.17%; 3 homozygotes.

Submissions (11):

Labcorp Genetics (formerly Invitae), Labcorp
Classification: Likely benign for Muscular dystrophy-dystroglycanopathy (congenital with impaired intellectual development), type B, 1; Walker-Warburg congenital muscular dystrophy; Autosomal recessive limb-girdle muscular dystrophy type 2K. Last evaluated: 2026-01-31. Review status: criteria provided, single submitter. Criteria: Invitae Variant Classification Sherloc (09022015). Collection method: clinical testing. Allele origin: germline.

Mayo Clinic Laboratories, Mayo Clinic
Classification: Likely benign. Last evaluated: 2025-05-16. Review status: criteria provided, single submitter. Criteria: ACMG Guidelines, 2015. Collection method: clinical testing. Allele origin: germline. Observed: 4 variant alleles.
Comment: BS1, BP4, BP7

Blueprint Genetics
Classification: Likely benign. Last evaluated: 2024-11-01. Review status: criteria provided, single submitter. Criteria: ACMG Guidelines, 2015. Collection method: clinical testing. Allele origin: germline.

Athena Diagnostics
Classification: Benign. Last evaluated: 2023-12-06. Review status: criteria provided, single submitter. Criteria: Athena Diagnostics Criteria. Collection method: clinical testing. Allele origin: unknown.

GeneDx
Classification: Likely benign. Last evaluated: 2018-03-27. Review status: criteria provided, single submitter. Criteria: GeneDx Variant Classification Process June 2021. Collection method: clinical testing. Allele origin: germline. Affected: yes.

Illumina Laboratory Services, Illumina
Classification: Uncertain significance for Autosomal recessive limb-girdle muscular dystrophy type 2K. Last evaluated: 2018-01-13. Review status: criteria provided, single submitter. Criteria: ICSL Variant Classification Criteria 13 December 2019. Collection method: clinical testing. Allele origin: germline.

Eurofins Ntd Llc (ga)
Classification: Likely benign. Last evaluated: 2017-06-15. Review status: criteria provided, single submitter. Criteria: EGL Classification Definitions 2015. Collection method: clinical testing. Allele origin: germline. Observed: 4 variant alleles, 4 heterozygotes.

Genetic Services Laboratory, University of Chicago
Classification: Uncertain significance. Last evaluated: 2014-07-23. Review status: criteria provided, single submitter. Criteria: ACMG Guidelines, 2015. Collection method: clinical testing. Allele origin: germline.

PreventionGenetics, part of Exact Sciences
Classification: Likely benign. Review status: criteria provided, single submitter. Criteria: ACMG Guidelines, 2015. Collection method: clinical testing. Allele origin: germline.

Clinical Genetics DNA and cytogenetics Diagnostics Lab, Erasmus MC, Erasmus Medical Center
Classification: Benign. Review status: no assertion criteria provided. Collection method: clinical testing. Allele origin: germline. Affected: yes. Study: VKGL Data-share Consensus. Not counted in ClinVar's aggregate classification.

Genome Diagnostics Laboratory, University Medical Center Utrecht
Classification: Likely benign. Review status: no assertion criteria provided. Collection method: clinical testing. Allele origin: germline. Affected: yes. Study: VKGL Data-share Consensus. Not counted in ClinVar's aggregate classification.